The following is an entry in ClinVar:

NM_203446.3(SYNJ1):c.439C>T (p.Arg147Cys)

Gene: SYNJ1 (synaptojanin 1; minus strand). Cytogenetic location: 21q22.11.
Variant type: single nucleotide variant.
Coding change: c.439C>T on transcript NM_203446.3 (MANE Select); coding-DNA position 439, C replaced by T.
Protein change: p.Arg147Cys; replaces arginine 147 with cysteine.
Molecular consequence: missense variant.
Genome position (GRCh38, 1-based): chr21:32,699,878, G>A on the plus strand (C>T on the coding strand, the complement: SYNJ1 is on the minus strand). VCF-style: chr21-32699878-G-A. GRCh37 (hg19) VCF-style: chr21-34072188-G-A.
Other names: c.439C>T, p.Arg147Cys (NM_001160302.2, NM_001160306.2); c.556C>T, p.Arg186Cys (NM_003895.4); short protein forms R147C, R186C.
Identifiers: ClinVar variation 1511140 (VCV001511140.8), dbSNP rs1462349719, ClinGen allele CA410101176.

ClinVar aggregate classification (germline): Uncertain significance (1 of 4 stars; one submission).

Conditions:
Developmental and epileptic encephalopathy, 53. Also called: Epileptic encephalopathy, early infantile, 53. Identifiers: MedGen C4479313, MONDO:0033362, OMIM 617389.
Early-onset Parkinson disease 20. Also called: PARKINSON DISEASE 20, AUTOSOMAL RECESSIVE EARLY-ONSET. Identifiers: Orphanet 391411, MedGen C3809824, MONDO:0014233, OMIM 615530.

Allele frequency attached by ClinVar (database versions not stated): gnomAD exomes below 0.00001; gnomAD 0.00001 and 0.00002; TOPMed 0.00001.
gnomAD v4.1: 6 of 1,613,916 alleles (0.00037%); highest among the groups gnomAD compares: South Asian, 0.0022%; no homozygotes.

Submission:

Labcorp Genetics (formerly Invitae), Labcorp
Classification: Uncertain significance for Developmental and epileptic encephalopathy, 53; Early-onset Parkinson disease 20. Last evaluated: 2021-01-03. Review status: criteria provided, single submitter. Criteria: Invitae Variant Classification Sherloc (09022015). Collection method: clinical testing. Allele origin: germline.
Comment: In summary, the available evidence is currently insufficient to determine the role of this variant in disease. Therefore, it has been classified as a Variant of Uncertain Significance. Algorithms developed to predict the effect of missense changes on protein structure and function (SIFT, PolyPhen-2, Align-GVGD) all suggest that this variant is likely to be disruptive, but these predictions have not been confirmed by published functional studies and their clinical significance is uncertain. This variant has not been reported in the literature in individuals with SYNJ1-related conditions. This variant is not present in population databases (ExAC no frequency). This sequence change replaces arginine with cysteine at codon 186 of the SYNJ1 protein (p.Arg186Cys). The arginine residue is highly conserved and there is a large physicochemical difference between arginine and cysteine.